The following is an entry in ClinVar:

ClinVar aggregate classification (germline): Uncertain significance (1 of 4 stars; one submission).

Conditions:
Inborn genetic diseases. Identifiers: MedGen C0950123, MeSH D030342.

Submission:

Ambry Genetics
Classification: Uncertain significance for Inborn genetic diseases. Last evaluated: 2025-05-05. Review status: criteria provided, single submitter. Criteria: Ambry Variant Classification Scheme 2023. Collection method: clinical testing. Allele origin: germline.
Comment: The p.K63T variant (also known as c.188A>C), located in coding exon 1 of the LTBP3 gene, results from an A to C substitution at nucleotide position 188. The lysine at codon 63 is replaced by threonine, an amino acid with similar properties. This amino acid position is conserved. In addition, the in silico prediction for this alteration is inconclusive. Based on the available evidence, the clinical significance of this variant remains unclear.

NM_001130144.3(LTBP3):c.188A>C (p.Lys63Thr)

Gene: LTBP3 (latent transforming growth factor beta binding protein 3; minus strand). Cytogenetic location: 11q13.1.
Variant type: single nucleotide variant.
Coding change: c.188A>C on transcript NM_001130144.3 (MANE Select); coding-DNA position 188, A replaced by C.
Protein change: p.Lys63Thr; replaces lysine 63 with threonine.
Molecular consequence: missense variant. On other transcripts: 5 prime UTR variant (1).
Genome position (GRCh38, 1-based): chr11:65,557,772, T>G on the plus strand (A>C on the coding strand, the complement: LTBP3 is on the minus strand). VCF-style: chr11-65557772-T-G. GRCh37 (hg19) VCF-style: chr11-65325243-T-G.
Other names: c.-160A>C (NM_001164266.1); c.188A>C, p.Lys63Thr (NM_021070.4); short protein forms K63T.
Identifiers: ClinVar variation 4049879 (VCV004049879.1).